The following is an entry in ClinVar:

ClinVar aggregate classification (germline): Likely pathogenic (1 of 4 stars; one submission).

Submission:

Labcorp Genetics (formerly Invitae), Labcorp
Classification: Likely pathogenic. Last evaluated: 2023-10-28. Review status: criteria provided, single submitter. Criteria: Invitae Variant Classification Sherloc (09022015). Collection method: clinical testing. Allele origin: germline.
Comment: This sequence change affects a donor splice site in intron 34 of the ABCA12 gene. It is expected to disrupt RNA splicing. Variants that disrupt the donor or acceptor splice site typically lead to a loss of protein function (PMID: 16199547), and loss-of-function variants in ABCA12 are known to be pathogenic (PMID: 20672373). This variant is not present in population databases (gnomAD no frequency). This variant has not been reported in the literature in individuals affected with ABCA12-related conditions. Algorithms developed to predict the effect of sequence changes on RNA splicing suggest that this variant may disrupt the consensus splice site. In summary, the currently available evidence indicates that the variant is pathogenic, but additional data are needed to prove that conclusively. Therefore, this variant has been classified as Likely Pathogenic.

Literature cited by the submitters: PubMed 16199547; PubMed 20672373.

NM_173076.3(ABCA12):c.5381+1G>A

Gene: ABCA12 (ATP binding cassette subfamily A member 12; minus strand). Cytogenetic location: 2q35.
Variant type: single nucleotide variant.
Coding change: c.5381+1G>A on transcript NM_173076.3 (MANE Select); the canonical splice donor site of the intron after coding-DNA position 5381, G replaced by A.
Molecular consequence: splice donor variant.
Genome position (GRCh38, 1-based): chr2:214,975,784, C>T on the plus strand (G>A on the coding strand, the complement: ABCA12 is on the minus strand). VCF-style: chr2-214975784-C-T. GRCh37 (hg19) VCF-style: chr2-215840508-C-T.
Other names: c.4427+1G>A (NM_015657.4).
Identifiers: ClinVar variation 2871433 (VCV002871433.3), dbSNP rs1553523037, ClinGen allele CA350456676.